The following is an entry in ClinVar:

NC_000018.10:g.33322025_33429787dup

Genes: CCDC178 (coiled-coil domain containing 178; minus strand), LOC126862724 (MED14-independent group 3 enhancer GRCh37_chr18:31003580-31004779; plus strand). Cytogenetic location: 18q12.1.
Variant type: Duplication.
Identifiers: ClinVar variation 157413 (VCV000157413.3).

ClinVar aggregate classification (germline): not provided (0 of 4 stars; one submission).

Conditions:
Small for gestational age. Also called: Low birth weight. Identifiers: MedGen C0235991, HP:0001518.

Submission:

Institute of Molecular and Cell Biology, University of Tartu
No classification provided. Condition: Small for gestational age. Review status: no classification provided. Collection method: case-control. Allele origin: unknown. Affected: yes. Study: Kasak2014.
Comment: The study aimed to determine the contribution of copy number variants in the genetic etiology of normal and complicated pregnancies. The samples represented (i) maternal blood DNA drawn from healthy pregnant women during 1st or 2nd trimester and (ii) maternal and paternal blood DNA drawn at term pregnancy cases representing normal and complicated gestations (severe preeclampsia, PE; gestational diabetes, GD; small-for-gestational age newborn, SGA; large-for-gestational age newborn, LGA). We performed CNV calling based on genome-wide genotyping dataset (Illumina HumanOmniExpress-24-v1 BeadChip) by applying three algorithms, QuantiSNP, GADA (Genome Alteration Detection Algorithm) and CNstream in parallel. The acquired CNV calls were merged with HD-CNV (Hotspot Detector for Copy Number Variants) program and only the CNVs predicted by at least two programs, were considered in subsequent analysis.

Literature cited by the submitters: PubMed 25666259.